The following is an entry in ClinVar:

NM_001387283.1(SMARCA4):c.4171-2A>G

Gene: SMARCA4 (SWI/SNF related BAF chromatin remodeling complex subunit ATPase 4; plus strand). Cytogenetic location: 19p13.2.
Variant type: single nucleotide variant.
Coding change: c.4171-2A>G on transcript NM_001387283.1 (MANE Plus Clinical); the canonical splice acceptor site of the intron before coding-DNA position 4171, A replaced by G.
Molecular consequence: splice acceptor variant. On other transcripts: intron variant (7).
Genome position (GRCh38, 1-based): chr19:11,039,456, A>G. VCF-style: chr19-11039456-A-G. GRCh37 (hg19) VCF-style: chr19-11150132-A-G.
Other names: c.4171-1851A>G (NM_001128844.3, NM_003072.5); c.4171-2A>G (NM_001128849.3); c.4072-1851A>G (NM_001128847.4, NM_001374457.1, NM_001128848.2); c.4072-2A>G (NM_001411150.1); c.4072-1842A>G (NM_001128845.2, NM_001128846.2).
Identifiers: ClinVar variation 4879663 (VCV004879663.1).
Genomic context (GRCh38, chr19:11,039,456, plus strand): 5'-GGCTAAATTAGGGCACGTTGTGCACTGAAACACTAAACAGACATTAAAAAATTTTGTTGT[A>G]GAAAATTACAGGAAAAGATATCCATGACACAGCCAGCAGTGTGGCACGTGGGCTACAATT-3'

ClinVar aggregate classification (germline): Uncertain significance (1 of 4 stars; one submission).

Conditions:
Intellectual disability, autosomal dominant 16 (CSS4). Also called: COFFIN-SIRIS SYNDROME 4. Identifiers: Orphanet 1465, MedGen C3553249, MONDO:0013821, OMIM 614609.

Submission:

Victorian Clinical Genetics Services, Murdoch Childrens Research Institute
Classification: Uncertain significance for Intellectual disability, autosomal dominant 16. Last evaluated: 2026-03-26. Review status: criteria provided, single submitter. Criteria: ACMG Guidelines, 2015. Collection method: clinical testing. Allele origin: germline. Affected: yes.
Comment: This variant is classified as VUS-3B. Evidence in support of pathogenic classification: Canonical splice site variant without proven consequence on splicing (no functional evidence available); Variant is absent from gnomAD (v2, v3 and v4). Evidence in support of benign classification: Abnormal splicing is not predicted and nucleotide is poorly conserved. Additional information: This variant is non-coding in an alternative transcript. This variant is deep intronic in the MANE canonical; This variant is heterozygous; This gene is associated with autosomal dominant disease; Alternative nucleotide change(s) at the same canonical splice site are present in gnomAD (highest allele count: v4: 7 heterozygote(s), 0 homozygote(s)) - This variant has no previous evidence of pathogenicity; No published evidence of segregation with disease has been identified for this variant; No published functional evidence has been identified for this variant; No comparable splice variants have previous evidence for pathogenicity; Dominant negative or gain of function are likely mechanisms of disease in this gene and are associated with Coffin-Siris syndrome 4 (MIM#614609) (PMID: 23556151). However, susceptibility to rhabdoid tumor predisposition syndrome 2 (MIM#613325) is associated with loss of function variants (OMIM, PMID: 22426308); Inheritance information for this variant is not currently available in this individual.

Literature cited by the submitters: PubMed 22426308; PubMed 23556151.